The following is an entry in ClinVar:

ClinVar aggregate classification (germline): Pathogenic/Likely pathogenic. Review status: criteria provided, multiple submitters, no conflicts (2 of 4 stars). 3 submissions from 3 submitters: Pathogenic (1); Likely pathogenic (1). 1 of the submissions does not count toward it. Last evaluated 2025-12-08.

Conditions:
Monogenic hearing loss.
Autosomal dominant nonsyndromic hearing loss 36. Identifiers: Orphanet 90635, MedGen C1847626, MONDO:0011708, OMIM 606705.

Submissions (3):

Labcorp Genetics (formerly Invitae), Labcorp
Classification: Pathogenic. Last evaluated: 2025-12-08. Review status: criteria provided, single submitter. Criteria: Invitae Variant Classification Sherloc (09022015). Collection method: clinical testing. Allele origin: germline.
Comment: This sequence change replaces aspartic acid, which is acidic and polar, with histidine, which is basic and polar, at codon 572 of the TMC1 protein (p.Asp572His). This variant is not present in population databases (gnomAD no frequency). This missense change has been observed in individual(s) with autosomal dominant deafness (PMID: 17250663). It has also been observed to segregate with disease in related individuals. ClinVar contains an entry for this variant (Variation ID: 4105). Invitae Evidence Modeling of protein sequence and biophysical properties (such as structural, functional, and spatial information, amino acid conservation, physicochemical variation, residue mobility, and thermodynamic stability) has been performed for this missense variant. However, the output from this modeling did not meet the statistical confidence thresholds required to predict the impact of this variant on TMC1 protein function. For these reasons, this variant has been classified as Pathogenic.

Genetics Laboratory, Great Ormond Street Hospital NHS Foundation Trust, North Thames Genomic Laboratory Hub
Classification: Likely pathogenic for Monogenic hearing loss. Last evaluated: 2025-11-21. Review status: criteria provided, single submitter. Criteria: ACGS Best Practice Guidelines for Variant Classification in Rare Disease 2024 v1.2. Collection method: clinical testing. Allele origin: germline. Affected: yes.
Comment: PS4_supporting, PM2_moderate, PP3_supporting, PM5_supporting, PP1_strong

OMIM
Classification: Pathogenic for DEAFNESS, AUTOSOMAL DOMINANT 36. Last evaluated: 2007-02-01. Review status: no assertion criteria provided. Collection method: literature only. Allele origin: germline. Not counted in ClinVar's aggregate classification.

Literature cited by the submitters: PubMed 17250663 (cited by Labcorp Genetics (formerly Invitae), Labcorp and OMIM).

NM_138691.3(TMC1):c.1714G>C (p.Asp572His)

Gene: TMC1 (transmembrane channel like 1; plus strand). Cytogenetic location: 9q21.13.
Variant type: single nucleotide variant.
Coding change: c.1714G>C on transcript NM_138691.3 (MANE Select); coding-DNA position 1714, G replaced by C.
Protein change: p.Asp572His; replaces aspartic acid 572 with histidine.
Molecular consequence: missense variant.
Genome position (GRCh38, 1-based): chr9:72,816,161, G>C. VCF-style: chr9-72816161-G-C. GRCh37 (hg19) VCF-style: chr9-75431077-G-C.
Other names: short protein forms D572H.
Identifiers: ClinVar variation 4105 (VCV000004105.3), dbSNP rs121908072, ClinGen allele CA253005.